The following is an entry in ClinVar:

ClinVar aggregate classification (germline): Likely pathogenic (1 of 4 stars; one submission).

Conditions:
Congenital myasthenic syndrome 4A. Also called: Myasthenic syndrome, congenital, 4a, slow-channel; CONGENITAL MYASTHENIC SYNDROME TYPE Ia1; MYASTHENIC SYNDROME, CONGENITAL, 4A, SLOW-CHANNEL, AUTOSOMAL RECESSIVE. Identifiers: Orphanet 590, MedGen C4225413, MONDO:0011600, OMIM 605809.

Submission:

Labcorp Genetics (formerly Invitae), Labcorp
Classification: Likely pathogenic for Congenital myasthenic syndrome 4A. Last evaluated: 2023-04-03. Review status: criteria provided, single submitter. Criteria: Invitae Variant Classification Sherloc (09022015). Collection method: clinical testing. Allele origin: germline.
Comment: In summary, the currently available evidence indicates that the variant is pathogenic, but additional data are needed to prove that conclusively. Therefore, this variant has been classified as Likely Pathogenic. This variant disrupts the p.Cys148 amino acid residue in CHRNE. Other variant(s) that disrupt this residue have been determined to be pathogenic (PMID: 9539130; Invitae). This suggests that this residue is clinically significant, and that variants that disrupt this residue are likely to be disease-causing. Advanced modeling of protein sequence and biophysical properties (such as structural, functional, and spatial information, amino acid conservation, physicochemical variation, residue mobility, and thermodynamic stability) performed at Invitae indicates that this missense variant is expected to disrupt CHRNE protein function. This sequence change replaces cysteine, which is neutral and slightly polar, with tyrosine, which is neutral and polar, at codon 148 of the CHRNE protein (p.Cys148Tyr). This variant is not present in population databases (gnomAD no frequency). This variant has not been reported in the literature in individuals affected with CHRNE-related conditions.

Literature cited by the submitters: PubMed 9539130.

NM_000080.4(CHRNE):c.443G>A (p.Cys148Tyr)

Genes: C17orf107 (chromosome 17 open reading frame 107; plus strand), CHRNE (cholinergic receptor nicotinic epsilon subunit; minus strand). Cytogenetic location: 17p13.2.
Variant type: single nucleotide variant.
Coding change: c.443G>A on transcript NM_000080.4 (MANE Select); coding-DNA position 443, G replaced by A.
Protein change: p.Cys148Tyr; replaces cysteine 148 with tyrosine.
Molecular consequence: missense variant. On other transcripts: 3 prime UTR variant (1).
Genome position (GRCh38, 1-based): chr17:4,901,989, C>T on the plus strand (G>A on the coding strand, the complement: CHRNE is on the minus strand). VCF-style: chr17-4901989-C-T. GRCh37 (hg19) VCF-style: chr17-4805284-C-T.
Other names: c.*1456C>T (NM_001145536.2); short protein forms C148Y.
Identifiers: ClinVar variation 2807196 (VCV002807196.3), dbSNP rs2507560224, ClinGen allele CA397306188.